The following is an entry in ClinVar:

NM_014339.7(IL17RA):c.482T>C (p.Val161Ala)

Gene: IL17RA (interleukin 17 receptor A; plus strand). Cytogenetic location: 22q11.1.
Variant type: single nucleotide variant.
Coding change: c.482T>C on transcript NM_014339.7 (MANE Select); coding-DNA position 482, T replaced by C.
Protein change: p.Val161Ala; replaces valine 161 with alanine.
Molecular consequence: missense variant.
Genome position (GRCh38, 1-based): chr22:17,100,413, T>C. VCF-style: chr22-17100413-T-C. GRCh37 (hg19) VCF-style: chr22-17581303-T-C.
Other names: c.482T>C (NM_014339.5); c.482T>C, p.Val161Ala (NM_001289905.2); short protein forms V161A.
Identifiers: ClinVar variation 862563 (VCV000862563.11), dbSNP rs376923038, ClinGen allele CA10086374.

ClinVar aggregate classification (germline): Uncertain significance. Review status: criteria provided, multiple submitters, no conflicts (2 of 4 stars). 3 submissions from 3 submitters: Uncertain significance (3). Last evaluated 2025-08-11.

Conditions:
Immunodeficiency 51 (IMD51). Also called: CANDIDIASIS, FAMILIAL, 5. Identifiers: Orphanet 1334, MedGen C4310803, MONDO:0013500, OMIM 613953.

Allele frequency attached by ClinVar (database versions not stated): ExAC 0.00002; gnomAD exomes 0.00002 and 0.00009; TOPMed 0.00005; ESP Exome Variant Server 0.00015.
gnomAD v4.1: 132 of 1,613,964 alleles (0.0082%); highest among the groups gnomAD compares: Non-Finnish European, 0.011%; no homozygotes.

Submissions (3):

Ambry Genetics
Classification: Uncertain significance. Last evaluated: 2025-08-11. Review status: criteria provided, single submitter. Criteria: Ambry Variant Classification Scheme 2023. Collection method: clinical testing. Allele origin: germline.

Labcorp Genetics (formerly Invitae), Labcorp
Classification: Uncertain significance for Immunodeficiency 51. Last evaluated: 2022-07-25. Review status: criteria provided, single submitter. Criteria: Invitae Variant Classification Sherloc (09022015). Collection method: clinical testing. Allele origin: germline.
Comment: This sequence change replaces valine, which is neutral and non-polar, with alanine, which is neutral and non-polar, at codon 161 of the IL17RA protein (p.Val161Ala). This variant is present in population databases (rs376923038, gnomAD 0.006%). This variant has not been reported in the literature in individuals affected with IL17RA-related conditions. ClinVar contains an entry for this variant (Variation ID: 862563). Algorithms developed to predict the effect of missense changes on protein structure and function are either unavailable or do not agree on the potential impact of this missense change (SIFT: "Deleterious"; PolyPhen-2: "Probably Damaging"; Align-GVGD: "Class C0"). In summary, the available evidence is currently insufficient to determine the role of this variant in disease. Therefore, it has been classified as a Variant of Uncertain Significance.

Illumina Laboratory Services, Illumina
Classification: Uncertain significance for Immunodeficiency 51. Last evaluated: 2018-01-12. Review status: criteria provided, single submitter. Criteria: ICSL Variant Classification Criteria 13 December 2019. Collection method: clinical testing. Allele origin: germline.